The following is an entry in ClinVar:

NM_000061.3(BTK):c.1793A>C (p.Tyr598Ser)

Gene: BTK (Bruton tyrosine kinase; minus strand). Cytogenetic location: Xq22.1.
Variant type: single nucleotide variant.
Coding change: c.1793A>C on transcript NM_000061.3 (MANE Select); coding-DNA position 1793, A replaced by C.
Protein change: p.Tyr598Ser; replaces tyrosine 598 with serine.
Molecular consequence: missense variant.
Genome position (GRCh38, 1-based): chrX:101,353,309, T>G on the plus strand (A>C on the coding strand, the complement: BTK is on the minus strand). VCF-style: chrX-101353309-T-G. GRCh37 (hg19) VCF-style: chrX-100608297-T-G.
Other names: c.1895A>C, p.Tyr632Ser (NM_001287344.2); c.1265A>C, p.Tyr422Ser (NM_001287345.2); short protein forms Y632S, Y422S, Y598S.
Identifiers: ClinVar variation 3724297 (VCV003724297.2).
Genomic context (GRCh38, chrX:101,353,309, plus strand): 5'-CTGTAGAGACGTAGGCCTTGGGCAATGTGTTCAGCAGTCTCACTGTTAGTAAATCTCTCA[T>G]ATGGCATCTTCCCCAGGGAGTAAATTTCCCACATCAAAACCCCTAGAAGGTGAAAAAAAT-3'
Protein context (NP_000052.1, residues 588-608): WEIYSLGKMP[Tyr598Ser]ERFTNSETAE

ClinVar aggregate classification (germline): Likely pathogenic (1 of 4 stars; one submission).

Conditions:
X-linked agammaglobulinemia with growth hormone deficiency (IGHD3). Also called: Isolated growth hormone deficiency type 3; Growth hormone deficiency with hypogammaglobulinemia; AGAMMAGLOBULINEMIA AND ISOLATED GROWTH HORMONE DEFICIENCY, X-LINKED; FLEISHER SYNDROME; HYPOGAMMAGLOBULINEMIA AND ISOLATED GROWTH HORMONE DEFICIENCY, X-LINKED; IGHD III. Identifiers: Orphanet 231692, Orphanet 631, MedGen C0472813, MONDO:0010615, OMIM 307200.

Submission:

Labcorp Genetics (formerly Invitae), Labcorp
Classification: Likely pathogenic for X-linked agammaglobulinemia with growth hormone deficiency. Last evaluated: 2024-06-10. Review status: criteria provided, single submitter. Criteria: Invitae Variant Classification Sherloc (09022015). Collection method: clinical testing. Allele origin: germline.
Comment: This sequence change replaces tyrosine, which is neutral and polar, with serine, which is neutral and polar, at codon 598 of the BTK protein (p.Tyr598Ser). This variant is not present in population databases (gnomAD no frequency). This missense change has been observed in individuals with X-linked agammaglobulinemia (PMID: 11742281; Invitae). Advanced modeling of protein sequence and biophysical properties (such as structural, functional, and spatial information, amino acid conservation, physicochemical variation, residue mobility, and thermodynamic stability) performed at Invitae indicates that this missense variant is expected to disrupt BTK protein function with a positive predictive value of 80%. This variant disrupts the p.Tyr598 amino acid residue in BTK. Other variant(s) that disrupt this residue have been determined to be pathogenic (PMID: 10887125, 11742281). This suggests that this residue is clinically significant, and that variants that disrupt this residue are likely to be disease-causing. In summary, the currently available evidence indicates that the variant is pathogenic, but additional data are needed to prove that conclusively. Therefore, this variant has been classified as Likely Pathogenic.

Literature cited by the submitters: PubMed 11742281; PubMed 10887125.